The following is an entry in ClinVar:

NM_003124.5(SPR):c.43dup (p.Ala15fs)

Genes: SPR (sepiapterin reductase; plus strand), LOC129934069 (ATAC-STARR-seq lymphoblastoid silent region 11626; plus strand). Cytogenetic location: 2p13.2.
Variant type: Duplication.
Coding change: c.43dup on transcript NM_003124.5 (MANE Select); coding-DNA position 43, one base duplicated (G; older notation c.43dupG).
Protein change: p.Ala15fs; shifts the reading frame from alanine 15.
Molecular consequence: frameshift variant.
Genome position (GRCh38, 1-based): chr2:72,887,475, G duplicated; the last of 4 consecutive G bases (chr2:72,887,472-72,887,475); duplicating any one gives the same sequence. VCF-style (leftmost placement, unchanged base first): chr2-72887471-C-CG. GRCh37 (hg19) VCF-style: chr2-73114600-C-CG.
Other names: short protein forms A15fs.
Identifiers: ClinVar variation 2966261 (VCV002966261.3), dbSNP rs1280934208, ClinGen allele CA892790653.

ClinVar aggregate classification (germline): Pathogenic (1 of 4 stars; one submission).

Conditions:
Dystonic disorder. Also called: Dystonia. Identifiers: MedGen C0013421, MONDO:0003441, HP:0001332.

Submission:

Labcorp Genetics (formerly Invitae), Labcorp
Classification: Pathogenic for Dystonic disorder. Last evaluated: 2023-09-19. Review status: criteria provided, single submitter. Criteria: Invitae Variant Classification Sherloc (09022015). Collection method: clinical testing. Allele origin: germline.
Comment: This sequence change creates a premature translational stop signal (p.Ala15Glyfs*26) in the SPR gene. It is expected to result in an absent or disrupted protein product. Loss-of-function variants in SPR are known to be pathogenic (PMID: 22522443). For these reasons, this variant has been classified as Pathogenic. This variant has not been reported in the literature in individuals affected with SPR-related conditions. This variant is not present in population databases (gnomAD no frequency).

Literature cited by the submitters: PubMed 22522443.